The following is an entry in ClinVar:

ClinVar aggregate classification (germline): Uncertain significance (1 of 4 stars; one submission).

Conditions:
Hereditary cancer-predisposing syndrome. Also called: Neoplastic Syndromes, Hereditary; Tumor predisposition; Hereditary neoplastic syndrome; Hereditary Cancer Syndrome. Identifiers: Orphanet 140162, MedGen C0027672, MeSH D009386, MONDO:0015356.

Submission:

Ambry Genetics
Classification: Uncertain significance for Hereditary cancer-predisposing syndrome. Last evaluated: 2026-07-06. Review status: criteria provided, single submitter. Criteria: Ambry Variant Classification Scheme 2023. Collection method: clinical testing. Allele origin: germline.
Comment: The p.I1173T variant (also known as c.3518T>C), located in coding exon 24 of the SMARCA4 gene, results from a T to C substitution at nucleotide position 3518. The isoleucine at codon 1173 is replaced by threonine, an amino acid with similar properties. This amino acid position is conserved. In addition, this alteration is predicted to be deleterious by in silico analysis. Based on the available evidence, the clinical significance of this variant remains unclear.

NM_003072.5(SMARCA4):c.3518T>C (p.Ile1173Thr)

Gene: SMARCA4 (SWI/SNF related BAF chromatin remodeling complex subunit ATPase 4; plus strand). Cytogenetic location: 19p13.2.
Variant type: single nucleotide variant.
Coding change: c.3518T>C on transcript NM_003072.5 (MANE Select); coding-DNA position 3518, T replaced by C.
Protein change: p.Ile1173Thr; replaces isoleucine 1173 with threonine.
Molecular consequence: missense variant. On other transcripts: non-coding transcript variant (1).
Genome position (GRCh38, 1-based): chr19:11,030,865, T>C. VCF-style: chr19-11030865-T-C. GRCh37 (hg19) VCF-style: chr19-11141541-T-C.
Other names: c.3518T>C, p.Ile1173Thr (NM_001128844.3, NM_001128845.2, NM_001128846.2 and 6 more transcripts); short protein forms I1173T.
Identifiers: ClinVar variation 5029829 (VCV005029829.1).